The following is an entry in ClinVar:

NM_080680.3(COL11A2):c.3141A>T (p.Lys1047Asn)

Gene: COL11A2 (collagen type XI alpha 2 chain; minus strand). Cytogenetic location: 6p21.32.
Variant type: single nucleotide variant.
Coding change: c.3141A>T on transcript NM_080680.3 (MANE Select); coding-DNA position 3141, A replaced by T.
Protein change: p.Lys1047Asn; replaces lysine 1047 with asparagine.
Molecular consequence: missense variant.
Genome position (GRCh38, 1-based): chr6:33,171,722, T>A on the plus strand (A>T on the coding strand, the complement: COL11A2 is on the minus strand). VCF-style: chr6-33171722-T-A. GRCh37 (hg19) VCF-style: chr6-33139499-T-A.
Other names: c.2961A>T, p.Lys987Asn (NM_001424108.1); c.2295A>T, p.Lys765Asn (NM_001424109.1); c.2115A>T, p.Lys705Asn (NM_001424110.1, NM_001424111.1); c.1095A>T, p.Lys365Asn (NM_001424112.1); c.2820A>T, p.Lys940Asn (NM_080679.3); c.2883A>T, p.Lys961Asn (NM_080681.3); short protein forms K1047N, K365N, K705N, K765N, K940N, K961N, K987N.
Identifiers: ClinVar variation 4801313 (VCV004801313.1).

ClinVar aggregate classification (germline): Uncertain significance (1 of 4 stars; one submission).

Submission:

Labcorp Genetics (formerly Invitae), Labcorp
Classification: Uncertain significance. Last evaluated: 2025-06-22. Review status: criteria provided, single submitter. Criteria: Invitae Variant Classification Sherloc (09022015). Collection method: clinical testing. Allele origin: germline.
Comment: This sequence change replaces lysine, which is basic and polar, with asparagine, which is neutral and polar, at codon 1047 of the COL11A2 protein (p.Lys1047Asn). This variant is not present in population databases (gnomAD no frequency). This variant has not been reported in the literature in individuals affected with COL11A2-related conditions. Invitae Evidence Modeling of protein sequence and biophysical properties (such as structural, functional, and spatial information, amino acid conservation, physicochemical variation, residue mobility, and thermodynamic stability) indicates that this missense variant is not expected to disrupt COL11A2 protein function with a negative predictive value of 95%. In summary, the available evidence is currently insufficient to determine the role of this variant in disease. Therefore, it has been classified as a Variant of Uncertain Significance.